The following is an entry in ClinVar:

NM_001145252.3(CFP):c.472A>G (p.Thr158Ala)

Gene: CFP (complement factor properdin; minus strand). Cytogenetic location: Xp11.23.
Variant type: single nucleotide variant.
Coding change: c.472A>G on transcript NM_001145252.3 (MANE Select); coding-DNA position 472, A replaced by G.
Protein change: p.Thr158Ala; replaces threonine 158 with alanine.
Molecular consequence: missense variant.
Genome position (GRCh38, 1-based): chrX:47,627,573, T>C on the plus strand (A>G on the coding strand, the complement: CFP is on the minus strand). VCF-style: chrX-47627573-T-C. GRCh37 (hg19) VCF-style: chrX-47486972-T-C.
Other names: c.472A>G, p.Thr158Ala (NM_002621.2); short protein forms T158A.
Identifiers: ClinVar variation 2011905 (VCV002011905.4), dbSNP rs2519717339, ClinGen allele CA412838725.
Genomic context (GRCh38, chrX:47,627,573, plus strand): 5'-CCTGTCCTGGGCAGTGGCCCCCACACTTGGGAGCAGGGTGATTACAGGCTCGCCTGCGGG[T>C]CCGGGTCCCTTTGGAGCAGGTGACAGAGCAAGGCTCCCAGGGCCCCCAGCCAGACCAGCC-3'
Protein context (NP_001138724.1, residues 148-168): CSVTCSKGTR[Thr158Ala]RRRACNHPAP

ClinVar aggregate classification (germline): Uncertain significance (1 of 4 stars; one submission).

Submission:

Labcorp Genetics (formerly Invitae), Labcorp
Classification: Uncertain significance. Last evaluated: 2024-10-26. Review status: criteria provided, single submitter. Criteria: Invitae Variant Classification Sherloc (09022015). Collection method: clinical testing. Allele origin: germline.
Comment: This sequence change replaces threonine, which is neutral and polar, with alanine, which is neutral and non-polar, at codon 158 of the CFP protein (p.Thr158Ala). This variant is not present in population databases (gnomAD no frequency). This variant has not been reported in the literature in individuals affected with CFP-related conditions. ClinVar contains an entry for this variant (Variation ID: 2011905). Invitae Evidence Modeling of protein sequence and biophysical properties (such as structural, functional, and spatial information, amino acid conservation, physicochemical variation, residue mobility, and thermodynamic stability) indicates that this missense variant is not expected to disrupt CFP protein function with a negative predictive value of 80%. In summary, the available evidence is currently insufficient to determine the role of this variant in disease. Therefore, it has been classified as a Variant of Uncertain Significance.